The following is an entry in ClinVar:

ClinVar aggregate classification (germline): Uncertain significance (1 of 4 stars; one submission).

Conditions:
Fanconi anemia (FA). Also called: Fanconi's anemia. Identifiers: Orphanet 84, MedGen C0015625, MeSH D005199, MONDO:0019391.

Submission:

Labcorp Genetics (formerly Invitae), Labcorp
Classification: Uncertain significance for Fanconi anemia. Last evaluated: 2024-02-24. Review status: criteria provided, single submitter. Criteria: Invitae Variant Classification Sherloc (09022015). Collection method: clinical testing. Allele origin: germline.
Comment: This sequence change replaces threonine, which is neutral and polar, with asparagine, which is neutral and polar, at codon 450 of the FANCI protein (p.Thr450Asn). This variant is not present in population databases (gnomAD no frequency). This variant has not been reported in the literature in individuals affected with FANCI-related conditions. ClinVar contains an entry for this variant (Variation ID: 1375676). Advanced modeling of protein sequence and biophysical properties (such as structural, functional, and spatial information, amino acid conservation, physicochemical variation, residue mobility, and thermodynamic stability) performed at Invitae indicates that this missense variant is expected to disrupt FANCI protein function with a positive predictive value of 80%. Algorithms developed to predict the effect of sequence changes on RNA splicing suggest that this variant may disrupt the consensus splice site. In summary, the available evidence is currently insufficient to determine the role of this variant in disease. Therefore, it has been classified as a Variant of Uncertain Significance.

NM_001113378.2(FANCI):c.1349C>A (p.Thr450Asn)

Gene: FANCI (FA complementation group I; plus strand). Cytogenetic location: 15q26.1.
Variant type: single nucleotide variant.
Coding change: c.1349C>A on transcript NM_001113378.2 (MANE Select); coding-DNA position 1349, C replaced by A.
Protein change: p.Thr450Asn; replaces threonine 450 with asparagine.
Molecular consequence: missense variant.
Genome position (GRCh38, 1-based): chr15:89,278,742, C>A. VCF-style: chr15-89278742-C-A. GRCh37 (hg19) VCF-style: chr15-89821973-C-A.
Other names: c.1070C>A, p.Thr357Asn (NM_001376910.1); c.1349C>A, p.Thr450Asn (NM_001376911.1, NM_018193.3); short protein forms T450N, T357N.
Identifiers: ClinVar variation 1375676 (VCV001375676.8), dbSNP rs1294189131, ClinGen allele CA393743276.